The following is an entry in ClinVar:

ClinVar aggregate classification (germline): Likely pathogenic (1 of 4 stars; one submission).

Allele frequency attached by ClinVar (database versions not stated): gnomAD exomes below 0.00001; ExAC 0.00002.

Submission:

Labcorp Genetics (formerly Invitae), Labcorp
Classification: Likely pathogenic. Last evaluated: 2023-06-14. Review status: criteria provided, single submitter. Criteria: Invitae Variant Classification Sherloc (09022015). Collection method: clinical testing. Allele origin: germline.
Comment: In summary, the currently available evidence indicates that the variant is pathogenic, but additional data are needed to prove that conclusively. Therefore, this variant has been classified as Likely Pathogenic. Algorithms developed to predict the effect of sequence changes on RNA splicing suggest that this variant may disrupt the consensus splice site. This variant has not been reported in the literature in individuals affected with TSEN54-related conditions. The frequency data for this variant in the population databases is considered unreliable, as metrics indicate poor data quality at this position in the gnomAD database. This sequence change affects a splice site in intron 3 of the TSEN54 gene. It is expected to disrupt RNA splicing. Variants that disrupt the donor or acceptor splice site typically lead to a loss of protein function (PMID: 16199547), and loss-of-function variants in TSEN54 are known to be pathogenic (PMID: 18711368, 20952379).

Literature cited by the submitters: PubMed 16199547; PubMed 18711368; PubMed 20952379.

NM_207346.3(TSEN54):c.286-2_286-1del

Gene: TSEN54 (tRNA splicing endonuclease subunit 54; plus strand). Cytogenetic location: 17q25.1.
Variant type: Deletion.
Coding change: c.286-2_286-1del on transcript NM_207346.3 (MANE Select); the canonical splice acceptor site of the intron before coding-DNA position 286, 2 bases deleted (AG; older notation c.286-2_286-1delAG).
Molecular consequence: splice acceptor variant.
Genome position (GRCh38, 1-based): chr17:75,517,159-75,517,160, AG deleted. VCF-style (leftmost placement, unchanged base first): chr17-75517158-CAG-C. GRCh37 (hg19) VCF-style: chr17-73513239-CAG-C.
Identifiers: ClinVar variation 2715373 (VCV002715373.3), dbSNP rs765323986, ClinGen allele CA8764058.
Genomic context (GRCh38, chr17:75,517,158, plus strand): 5'-GACCGCCCTCCCTGCCCTCCCTGCCCTCCCTCCCTTGTGACACTTGCTCTGGGCCCCACA[CAG>C]GGCAAATTCTGGCAGACCATGGGCTTCTCAGAGCAGGGCCGGCAGCGCCTTCACCCGGAA-3'